The following is an entry in ClinVar:

ClinVar aggregate classification (germline): Likely pathogenic (1 of 4 stars; one submission).

Conditions:
Pyruvate dehydrogenase E3-binding protein deficiency (PDHXD). Also called: E3-Binding Protein (Component X) Deficiency; Lacticacidemia due to PDX1 deficiency; PYRUVATE HYDROGENASE E3-BINDING PROTEIN DEFICIENCY; LACTIC ACIDEMIA DUE TO DEFECT IN LIPOYL-CONTAINING COMPONENT X OF THE PYRUVATE DEHYDROGENASE COMPLEX. Identifiers: Orphanet 255182, MedGen C1855553, MONDO:0009503, OMIM 245349.

Submission:

Lifecell International Pvt. Ltd
Classification: Likely pathogenic for Pyruvate dehydrogenase E3-binding protein deficiency. Review status: criteria provided, single submitter. Criteria: ACMG Guidelines, 2015. Collection method: clinical testing. Allele origin: germline. Inheritance: Autosomal recessive inheritance. Affected: yes. Observed: 1 homozygote.
Comment: A Homozygote Nonsense variant c.791C>G in Exon 6 of the PDHX gene that results in the amino acid substitution p.Ser264* was identified. The observed variant is novel in gnomAD exomes and genomes, respectively. The severity of the impact of this variant on the protein is high, based on the effect of the protein and REVEL score . Rare Exome Variant Ensemble Learner (REVEL) is an ensembl method for predicting the pathogenicity of missense variants based on a combination of scores from 13 individual tools: MutPred, FATHMM v2.3, VEST 3.0, PolyPhen-2, SIFT, PROVEAN, MutationAssessor, MutationTaster, LRT, GERP++, SiPhy, phyloP, and phastCons. The REVEL score for an individual missense variant can range from 0 to 1, with higher scores reflecting greater likelihood that the variant is disease-causing. For these reasons this variant has been classified as Likely Pathogenic.

NM_003477.3(PDHX):c.791C>G (p.Ser264Ter)

Gene: PDHX (pyruvate dehydrogenase complex component X; plus strand). Cytogenetic location: 11p13.
Variant type: single nucleotide variant.
Coding change: c.791C>G on transcript NM_003477.3 (MANE Select); coding-DNA position 791, C replaced by G.
Protein change: p.Ser264Ter; replaces serine 264 with a stop codon.
Molecular consequence: nonsense. On other transcripts: intron variant (1).
Genome position (GRCh38, 1-based): chr11:34,966,789, C>G. VCF-style: chr11-34966789-C-G. GRCh37 (hg19) VCF-style: chr11-34988336-C-G.
Other names: c.611C>G, p.Ser204Ter (NM_001135024.2); c.343-17781C>G (NM_001166158.2); short protein forms S204*, S264*.
Identifiers: ClinVar variation 2501716 (VCV002501716.1), dbSNP rs763473883, ClinGen allele CA380120840.
Genomic context (GRCh38, chr11:34,966,789, plus strand): 5'-CTTCGCCCCTACAGGCCACAGCTGGACCATCTTATCCCCGGCCTGTGATCCCACCAGTAT[C>G]AACTCCTGGACAACCCAATGCAGTGGTAGTGTTCTCTAAGTGGATTTTTATTTCTTTTTC-3'